The following is an entry in ClinVar:

ClinVar aggregate classification (germline): Uncertain significance (1 of 4 stars; one submission).

Conditions:
Left ventricular noncompaction 1 (LVNC1). Also called: LEFT VENTRICULAR NONCOMPACTION 1 WITH OR WITHOUT CONGENITAL HEART DEFECTS. Identifiers: Orphanet 54260, MedGen C1858725, MONDO:0011403, OMIM 604169.

gnomAD v4.1: 1 of 1,613,838 alleles (0.000062%); highest among the groups gnomAD compares: Non-Finnish European, 0.000085%; no homozygotes.

Submission:

Labcorp Genetics (formerly Invitae), Labcorp
Classification: Uncertain significance for Left ventricular noncompaction 1. Last evaluated: 2021-08-07. Review status: criteria provided, single submitter. Criteria: Invitae Variant Classification Sherloc (09022015). Collection method: clinical testing. Allele origin: germline.
Comment: This sequence change replaces lysine with glutamic acid at codon 390 of the DTNA protein (p.Lys390Glu). The lysine residue is moderately conserved and there is a small physicochemical difference between lysine and glutamic acid. This variant is not present in population databases (ExAC no frequency). This variant has not been reported in the literature in individuals affected with DTNA-related conditions. Algorithms developed to predict the effect of missense changes on protein structure and function are either unavailable or do not agree on the potential impact of this missense change (SIFT: "Deleterious"; PolyPhen-2: "Benign"; Align-GVGD: "Class C0"). In summary, the available evidence is currently insufficient to determine the role of this variant in disease. Therefore, it has been classified as a Variant of Uncertain Significance.

NM_001386795.1(DTNA):c.1249A>G (p.Lys417Glu)

Gene: DTNA (dystrobrevin alpha; plus strand). Cytogenetic location: 18q12.1.
Variant type: single nucleotide variant.
Coding change: c.1249A>G on transcript NM_001386795.1 (MANE Select); coding-DNA position 1249, A replaced by G.
Protein change: p.Lys417Glu; replaces lysine 417 with glutamic acid.
Molecular consequence: missense variant. On other transcripts: intron variant (32).
Genome position (GRCh38, 1-based): chr18:34,838,167, A>G. VCF-style: chr18-34838167-A-G. GRCh37 (hg19) VCF-style: chr18-32418131-A-G.
Other names: c.295A>G, p.Lys99Glu (NM_001198942.1); c.1249A>G, p.Lys417Glu (NM_001386788.1); c.1168A>G, p.Lys390Glu (NM_001390.5, NM_001391.5); c.1159A>G, p.Lys387Glu (NM_032978.7); c.205A>G, p.Lys69Glu (NM_032980.4); c.1095-10129A>G (NM_032975.4, NM_001386761.1, NM_001386762.1 and 1 more transcripts); c.1175+8678A>G (NM_001386754.1, NM_001386755.1, NM_001386760.1 and 5 more transcripts); c.1086-10129A>G (NM_001386763.1, NM_001386764.1, NM_001386768.1 and 13 more transcripts); and 4 more; short protein forms K387E, K390E, K417E, K99E, K69E.
Identifiers: ClinVar variation 1373249 (VCV001373249.6), dbSNP rs2149711494, ClinGen allele CA402172181.
Genomic context (GRCh38, chr18:34,838,167, plus strand): 5'-GACAGTGAAGTAGAGCAGAACAAACTGCTGGCTAGGGCTGCTCCAGCTTTTCTGAAGGGC[A>G]AAGGGTAAGTTACAGCCAGAGTGTACTGGAACCCTGCATTAACTAAACTAAAAATGGAGA-3'
Protein context (NP_001373724.1, residues 407-427): ARAAPAFLKG[Lys417Glu]GIQYSLNVAD